The following is an entry in ClinVar:

NM_031885.5(BBS2):c.119T>G (p.Val40Gly)

Gene: BBS2 (Bardet-Biedl syndrome 2; minus strand). Cytogenetic location: 16q13.
Variant type: single nucleotide variant.
Coding change: c.119T>G on transcript NM_031885.5 (MANE Select); coding-DNA position 119, T replaced by G.
Protein change: p.Val40Gly; replaces valine 40 with glycine.
Molecular consequence: missense variant. On other transcripts: non-coding transcript variant (5).
Genome position (GRCh38, 1-based): chr16:56,514,679, A>C on the plus strand (T>G on the coding strand, the complement: BBS2 is on the minus strand). VCF-style: chr16-56514679-A-C. GRCh37 (hg19) VCF-style: chr16-56548591-A-C.
Other names: c.119T>G, p.Val40Gly (NM_001377456.1); short protein forms V40G.
Identifiers: ClinVar variation 1038392 (VCV001038392.8), dbSNP rs1964683448, ClinGen allele CA395986489.

ClinVar aggregate classification (germline): Uncertain significance (1 of 4 stars; one submission).

Conditions:
Bardet-Biedl syndrome (BBS). Identifiers: Orphanet 110, MedGen C0752166, MONDO:0015229.

Submission:

Labcorp Genetics (formerly Invitae), Labcorp
Classification: Uncertain significance for Bardet-Biedl syndrome. Last evaluated: 2020-09-09. Review status: criteria provided, single submitter. Criteria: Invitae Variant Classification Sherloc (09022015). Collection method: clinical testing. Allele origin: germline.
Comment: In summary, the available evidence is currently insufficient to determine the role of this variant in disease. Therefore, it has been classified as a Variant of Uncertain Significance. Algorithms developed to predict the effect of missense changes on protein structure and function (SIFT, PolyPhen-2, Align-GVGD) all suggest that this variant is likely to be disruptive, but these predictions have not been confirmed by published functional studies and their clinical significance is uncertain. This variant has not been reported in the literature in individuals with BBS2-related conditions. This variant is not present in population databases (ExAC no frequency). This sequence change replaces valine with glycine at codon 40 of the BBS2 protein (p.Val40Gly). The valine residue is highly conserved and there is a moderate physicochemical difference between valine and glycine.